The following is an entry in ClinVar:

ClinVar aggregate classification (germline): Pathogenic (1 of 4 stars; one submission).

Conditions:
Familial hypobetalipoproteinemia 1. Also called: Hypobetalipoproteinemia, normotriglyceridemic; Acanthocytosis with hypobetalipoproteinemia; APOB-Related Familial Hypobetalipoproteinemia. Identifiers: MedGen C4551990, MONDO:0014252, OMIM 615558.
Hypercholesterolemia, autosomal dominant, type B (FHCL2). Also called: Familial hypercholesterolemia 2; APOB-Related Familial Hypercholesterolemia, Autosomal Dominant; HYPERCHOLESTEROLEMIA, FAMILIAL, DUE TO LIGAND-DEFECTIVE APOLIPOPROTEIN B; Hyperlipoproteinemia Type IIb; Familial Hypercholesterolemia Type B; APOLIPOPROTEIN B-100, FAMILIAL DEFECTIVE. Identifiers: MedGen C1704417, MONDO:0007751, OMIM 144010.

Submission:

Labcorp Genetics (formerly Invitae), Labcorp
Classification: Pathogenic for Familial hypobetalipoproteinemia 1; Hypercholesterolemia, autosomal dominant, type B. Last evaluated: 2018-01-05. Review status: criteria provided, single submitter. Criteria: Invitae Variant Classification Sherloc (09022015). Collection method: clinical testing. Allele origin: germline.
Comment: This variant is a gross deletion of the genomic region encompassing exons 7 to 29 of the APOB gene. The 5' boundary is likely confined to intron 6. The 3' end of this event is unknown as it extends through the termination codon beyond the assayed region for this gene and may encompass additional genes. While this deletion is not anticipated to result in nonsense mediated decay, it is expected to create a truncated protein product or disrupt mRNA translation. Experimental studies and prediction algorithms are not available for this variant, and the functional significance of the deleted amino acids is currently unknown. For these reasons, this variant has been classified as Pathogenic.

NC_000002.12:g.(?_21001710)_(21035728_?)del

Genes: APOB (apolipoprotein B; minus strand), APOB3'MAR (APOB 3' scaffold/matrix attachment region; plus strand). Cytogenetic location: 2p24.1.
Variant type: Deletion.
Identifiers: ClinVar variation 544130 (VCV000544130.3).